The following is an entry in ClinVar:

ClinVar aggregate classification (germline): Pathogenic (1 of 4 stars; one submission).

Conditions:
Hereditary breast ovarian cancer syndrome. Also called: Hereditary breast and ovarian cancer syndrome (HBOC); Breast and ovarian cancer; BRCA1- and BRCA2-Associated Hereditary Breast and Ovarian Cancer; Hereditary breast and ovarian cancer syndrome; Hereditary breast and ovarian cancer; Hereditary breast and/or ovarian cancer syndrome. Identifiers: Orphanet 145, MedGen C0677776, MeSH D061325, MONDO:0003582. Disease mechanism: loss of function.

Submission:

Labcorp Genetics (formerly Invitae), Labcorp
Classification: Pathogenic for Hereditary breast ovarian cancer syndrome. Last evaluated: 2023-03-19. Review status: criteria provided, single submitter. Criteria: Invitae Variant Classification Sherloc (09022015). Collection method: clinical testing. Allele origin: germline.
Comment: This sequence change creates a premature translational stop signal (p.Cys1291Metfs*4) in the BRCA1 gene. It is expected to result in an absent or disrupted protein product. Loss-of-function variants in BRCA1 are known to be pathogenic (PMID: 20104584). This variant is not present in population databases (gnomAD no frequency). This variant has not been reported in the literature in individuals affected with BRCA1-related conditions. For these reasons, this variant has been classified as Pathogenic.

Literature cited by the submitters: PubMed 20104584.

NM_007294.4(BRCA1):c.3870dup (p.Cys1291fs)

Genes: BRCA1 (BRCA1 DNA repair associated; minus strand), LOC126862571 (BRD4-independent group 4 enhancer GRCh37_chr17:41243136-41244335; plus strand). Cytogenetic location: 17q21.31.
Variant type: Duplication.
Coding change: c.3870dup on transcript NM_007294.4 (MANE Select); coding-DNA position 3870, one base duplicated (A; older notation c.3870dupA).
Protein change: p.Cys1291fs; shifts the reading frame from cysteine 1291.
Molecular consequence: frameshift variant. On other transcripts: intron variant (135).
Genome position (GRCh38, 1-based): chr17:43,091,661, T duplicated on the plus strand (A on the coding strand, the reverse complement: BRCA1 is on the minus strand); the first of 4 consecutive T bases (chr17:43,091,661-43,091,664); duplicating any one gives the same sequence. VCF-style (leftmost placement, unchanged base first): chr17-43091660-A-AT. GRCh37 (hg19) VCF-style: chr17-41243677-A-AT.
Other names: c.3660dup, p.Cys1221fs (NM_001407885.1, NM_001407886.1, NM_001407887.1 and 13 more transcripts); c.3657dup, p.Cys1220fs (NM_001407894.1, NM_001407895.1, NM_001407896.1 and 9 more transcripts); c.3870dup, p.Cys1291fs (NM_001407652.1, NM_001407684.1, NM_001407854.1 and 30 more transcripts); c.3792dup, p.Cys1265fs (NM_001407653.1, NM_001407654.1, NM_001407655.1 and 4 more transcripts); c.3789dup, p.Cys1264fs (NM_001407659.1, NM_001407660.1, NM_001407661.1 and 1 more transcripts); c.3747dup, p.Cys1250fs (NM_001407664.1, NM_001407665.1, NM_001407666.1 and 19 more transcripts); c.3744dup, p.Cys1249fs (NM_001407670.1, NM_001407671.1, NM_001407672.1 and 11 more transcripts); c.3729dup, p.Cys1244fs (NM_001407692.1, NM_001407694.1, NM_001407695.1 and 29 more transcripts); and 41 more; short protein forms C1180fs, C1250fs, C1163fs, C1179fs, C1224fs, C1243fs, C1244fs, C1291fs.
Identifiers: ClinVar variation 2847355 (VCV002847355.3), dbSNP rs80357918, ClinGen allele CA2739265612.